The following is an entry in ClinVar:

NM_001005242.3(PKP2):c.1942A>G (p.Lys648Glu)

Gene: PKP2 (plakophilin 2; minus strand). Cytogenetic location: 12p11.21.
Variant type: single nucleotide variant.
Coding change: c.1942A>G on transcript NM_001005242.3 (MANE Select); coding-DNA position 1942, A replaced by G.
Protein change: p.Lys648Glu; replaces lysine 648 with glutamic acid.
Molecular consequence: missense variant.
Genome position (GRCh38, 1-based): chr12:32,821,427, T>C on the plus strand (A>G on the coding strand, the complement: PKP2 is on the minus strand). VCF-style: chr12-32821427-T-C. GRCh37 (hg19) VCF-style: chr12-32974361-T-C.
Other names: c.1942A>G, p.Lys648Glu (NM_001407155.1, NM_001407161.1); c.1777A>G, p.Lys593Glu (NM_001407156.1); c.2074A>G, p.Lys692Glu (NM_001407157.1, NM_004572.4); c.1615A>G, p.Lys539Glu (NM_001407158.1, NM_001407159.1, NM_001407160.1 and 1 more transcripts); short protein forms K539E, K593E, K648E, K692E.
Identifiers: ClinVar variation 1718819 (VCV001718819.5), dbSNP rs745927810, ClinGen allele CA384361765.

ClinVar aggregate classification (germline): Uncertain significance (1 of 4 stars; one submission).

Conditions:
Arrhythmogenic right ventricular dysplasia 9 (ARVD9). Also called: ARRHYTHMOGENIC RIGHT VENTRICULAR DYSPLASIA, FAMILIAL, 9; Arrhythmogenic Right Ventricular Dysplasia/Cardiomyopathy 9. Identifiers: MedGen C1836906, MONDO:0012180, OMIM 609040.

Submission:

Labcorp Genetics (formerly Invitae), Labcorp
Classification: Uncertain significance for Arrhythmogenic right ventricular dysplasia 9. Last evaluated: 2022-10-07. Review status: criteria provided, single submitter. Criteria: Invitae Variant Classification Sherloc (09022015). Collection method: clinical testing. Allele origin: germline.
Comment: This sequence change replaces lysine, which is basic and polar, with glutamic acid, which is acidic and polar, at codon 692 of the PKP2 protein (p.Lys692Glu). This variant is not present in population databases (gnomAD no frequency). This variant has not been reported in the literature in individuals affected with PKP2-related conditions. Algorithms developed to predict the effect of missense changes on protein structure and function (SIFT, PolyPhen-2, Align-GVGD) all suggest that this variant is likely to be tolerated. In summary, the available evidence is currently insufficient to determine the role of this variant in disease. Therefore, it has been classified as a Variant of Uncertain Significance.